The following is an entry in ClinVar:

ClinVar aggregate classification (germline): Likely benign. Review status: criteria provided, multiple submitters, no conflicts (2 of 4 stars). 3 submissions from 3 submitters: Likely benign (3). Last evaluated 2026-05-29.

Conditions:
Charcot-Marie-Tooth disease type 4. Also called: Charcot-Marie-Tooth disease, type IV; Charcot-Marie-Tooth, Type 4. Identifiers: Orphanet 64749, MedGen C4082197, MONDO:0018995.
PRX-related disorder. Also called: PRX-Related Disorders; PRX-related condition.

Allele frequency attached by ClinVar (database versions not stated): ExAC 0.00001; gnomAD exomes 0.00003 and 0.00007; TOPMed 0.00012; gnomAD 0.00020 and 0.00022.
gnomAD v4.1: 78 of 1,611,840 alleles (0.0048%); highest among the groups gnomAD compares: Admixed American, 0.065%; no homozygotes.

Submissions (3):

PreventionGenetics, part of Exact Sciences
Classification: Likely benign for PRX-related condition. Last evaluated: 2026-05-29. Review status: criteria provided, single submitter. Criteria: ACMG Guidelines, 2015. Collection method: clinical testing. Allele origin: germline.
Comment: This variant is classified as likely benign based on ACMG/AMP sequence variant interpretation guidelines (Richards et al. 2015 PMID: 25741868, with internal and published modifications).

Women's Health and Genetics/Laboratory Corporation of America, LabCorp
Classification: Likely benign. Last evaluated: 2025-04-23. Review status: criteria provided, single submitter. Criteria: LabCorp Variant Classification Summary - May 2015. Collection method: clinical testing. Allele origin: germline.

Labcorp Genetics (formerly Invitae), Labcorp
Classification: Likely benign for Charcot-Marie-Tooth disease type 4. Last evaluated: 2024-08-08. Review status: criteria provided, single submitter. Criteria: Invitae Variant Classification Sherloc (09022015). Collection method: clinical testing. Allele origin: germline.

NM_181882.3(PRX):c.3306C>T (p.Val1102=)

Gene: PRX (periaxin; minus strand). Cytogenetic location: 19q13.2.
Variant type: single nucleotide variant.
Coding change: c.3306C>T on transcript NM_181882.3 (MANE Select); coding-DNA position 3306, C replaced by T.
Protein change: p.Val1102=; no amino-acid change (valine 1102 retained).
Molecular consequence: synonymous variant. On other transcripts: 3 prime UTR variant (1).
Genome position (GRCh38, 1-based): chr19:40,395,046, G>A on the plus strand (C>T on the coding strand, the complement: PRX is on the minus strand). VCF-style: chr19-40395046-G-A. GRCh37 (hg19) VCF-style: chr19-40900953-G-A.
Other names: c.*3511C>T (NM_020956.2).
Identifiers: ClinVar variation 701366 (VCV000701366.11), dbSNP rs774667067, ClinGen allele CA9443887.